The following is an entry in ClinVar:

NM_000173.7(GP1BA):c.1274_1275del (p.Glu425fs)

Gene: GP1BA (glycoprotein Ib platelet subunit alpha; plus strand). Cytogenetic location: 17p13.2.
Variant type: Deletion.
Coding change: c.1274_1275del on transcript NM_000173.7 (MANE Select); coding-DNA positions 1274 to 1275, 2 bases deleted (AG; older notation c.1274_1275delAG).
Protein change: p.Glu425fs; shifts the reading frame from glutamic acid 425.
Molecular consequence: frameshift variant.
Genome position (GRCh38, 1-based): chr17:4,933,878-4,933,879, AG deleted; deleting any 2 consecutive bases within chr17:4,933,877-4,933,879 gives the same sequence; the c. name uses the placement nearest the transcript's 3' end. VCF-style (leftmost placement, unchanged base first): chr17-4933876-GGA-G. GRCh37 (hg19) VCF-style: chr17-4837171-GGA-G.
Other names: short protein forms E425fs.
Identifiers: ClinVar variation 988865 (VCV000988865.4), dbSNP rs773663190, ClinGen allele CA8314951.

ClinVar aggregate classification (germline): Pathogenic/Likely pathogenic. Review status: criteria provided, multiple submitters, no conflicts (2 of 4 stars). 3 submissions from 3 submitters: Pathogenic (1); Likely pathogenic (1). 1 of the submissions does not count toward it. Last evaluated 2022-05-04.

Conditions:
Thrombocytopenia. Identifiers: MedGen C0040034, MeSH D013921, MONDO:0002049, HP:0001873.
Abnormal bleeding. Also called: Bleeding diathesis. Identifiers: MedGen C1458140, HP:0001892.
Pseudo von Willebrand disease (VWDP). Also called: Platelet-type von Willebrand disease; BLEEDING DISORDER, PLATELET-TYPE, 3. Identifiers: Orphanet 52530, MedGen C1280798, MONDO:0008332, OMIM 177820.
Bernard Soulier syndrome (BSS). Also called: PLATELET GLYCOPROTEIN Ib DEFICIENCY; VON WILLEBRAND FACTOR RECEPTOR DEFICIENCY; GLYCOPROTEIN Ib, PLATELET, DEFICIENCY OF; BLEEDING DISORDER, PLATELET-TYPE, 1; Giant platelet syndrome; Hemorrhagiparous thrombocytic dystrophy. Identifiers: Orphanet 274, MedGen C0005129, MeSH D001606, MONDO:0009276, OMIM 231200.
Bernard-Soulier syndrome, type A2, autosomal dominant (BSSA2). Also called: Bernard-Soulier syndrome, type A2 (dominant). Identifiers: Orphanet 274, MedGen C3277076, MONDO:0007930, OMIM 153670.
Nonarteritic anterior ischemic optic neuropathy, susceptibility to (NAION). Also called: OPTIC NEUROPATHY, ANTERIOR ISCHEMIC, SUSCEPTIBILITY TO; NAION, SUSCEPTIBILITY TO. Identifiers: MedGen C1847711, MONDO:0009789, OMIM 258660.

Submissions (3):

Mendelics
Classification: Pathogenic for Bernard-Soulier syndrome, type A2, autosomal dominant. Last evaluated: 2022-05-04. Review status: criteria provided, single submitter. Criteria: Mendelics Assertion Criteria 2019. Collection method: clinical testing. Allele origin: germline.

Juno Genomics, Hangzhou Juno Genomics, Inc
Classification: Likely pathogenic for Pseudo von Willebrand disease; Nonarteritic anterior ischemic optic neuropathy, susceptibility to; Bernard Soulier syndrome; Bernard-Soulier syndrome, type A2, autosomal dominant. Review status: criteria provided, single submitter. Criteria: ACMG Guidelines, 2015. Collection method: clinical testing. Allele origin: germline.
Comment: Absent from controls (or at extremely low frequency if recessive) in Genome Aggregation Database.;Null variant in a gene where loss of function (LOF) is a known mechanism of disease.;Patient's phenotype or family history is highly specific for a disease with a single genetic etiology.

Birmingham Platelet Group; University of Birmingham
Classification: Likely pathogenic for Thrombocytopenia; Abnormal bleeding. Last evaluated: 2020-05-01. Review status: no assertion criteria provided. Collection method: research. Allele origin: germline. Affected: yes. Not counted in ClinVar's aggregate classification.